The following is an entry in ClinVar:

NM_198904.4(GABRG2):c.1010T>G (p.Leu337Arg)

Gene: GABRG2 (gamma-aminobutyric acid type A receptor subunit gamma2; plus strand). Cytogenetic location: 5q34.
Variant type: single nucleotide variant.
Coding change: c.1010T>G on transcript NM_198904.4 (MANE Select); coding-DNA position 1010, T replaced by G.
Protein change: p.Leu337Arg; replaces leucine 337 with arginine.
Molecular consequence: missense variant. On other transcripts: intron variant (1).
Genome position (GRCh38, 1-based): chr5:162,149,195, T>G. VCF-style: chr5-162149195-T-G. GRCh37 (hg19) VCF-style: chr5-161576201-T-G.
Other names: c.1010T>G, p.Leu337Arg (NM_000816.3); c.1001T>G, p.Leu334Arg (NM_001375339.1); c.1007T>G, p.Leu336Arg (NM_001375341.1, NM_001375342.1); c.1130T>G, p.Leu377Arg (NM_001375343.1, NM_198903.2); c.1049T>G, p.Leu350Arg (NM_001375344.1); c.944T>G, p.Leu315Arg (NM_001375345.1, NM_001375346.1); c.923T>G, p.Leu308Arg (NM_001375347.1); c.590T>G, p.Leu197Arg (NM_001375348.1, NM_001375350.1); and 2 more; short protein forms L337R, L242R, L334R, L336R, L197R, L350R, L377R, L308R.
Identifiers: ClinVar variation 956111 (VCV000956111.10), dbSNP rs1765180862, ClinGen allele CA362182480.

ClinVar aggregate classification (germline): Uncertain significance (1 of 4 stars; one submission).

Conditions:
EPILEPSY, CHILDHOOD ABSENCE, SUSCEPTIBILITY TO, 2 (ECA2). Identifiers: Orphanet 64280, MedGen C1843244, OMIM 607681.
Febrile seizures, familial, 8 (FEB8). Also called: CONVULSIONS, FAMILIAL FEBRILE, 8. Identifiers: Orphanet 36387, MedGen C1969810, MONDO:0011891, OMIM 607681.

Submission:

Labcorp Genetics (formerly Invitae), Labcorp
Classification: Uncertain significance for Febrile seizures, familial, 8; EPILEPSY, CHILDHOOD ABSENCE, SUSCEPTIBILITY TO, 2. Last evaluated: 2022-03-23. Review status: criteria provided, single submitter. Criteria: Invitae Variant Classification Sherloc (09022015). Collection method: clinical testing. Allele origin: germline.
Comment: This sequence change replaces leucine, which is neutral and non-polar, with arginine, which is basic and polar, at codon 337 of the GABRG2 protein (p.Leu337Arg). This variant is not present in population databases (gnomAD no frequency). This variant has not been reported in the literature in individuals affected with GABRG2-related conditions. ClinVar contains an entry for this variant (Variation ID: 956111). Advanced modeling of protein sequence and biophysical properties (such as structural, functional, and spatial information, amino acid conservation, physicochemical variation, residue mobility, and thermodynamic stability) performed at Invitae indicates that this missense variant is expected to disrupt GABRG2 protein function. In summary, the available evidence is currently insufficient to determine the role of this variant in disease. Therefore, it has been classified as a Variant of Uncertain Significance.